The following is an entry in ClinVar:

NM_080680.3(COL11A2):c.4984G>A (p.Gly1662Ser)

Gene: COL11A2 (collagen type XI alpha 2 chain; minus strand). Cytogenetic location: 6p21.32.
Variant type: single nucleotide variant.
Coding change: c.4984G>A on transcript NM_080680.3 (MANE Select); coding-DNA position 4984, G replaced by A.
Protein change: p.Gly1662Ser; replaces glycine 1662 with serine.
Molecular consequence: missense variant.
Genome position (GRCh38, 1-based): chr6:33,164,353, C>T on the plus strand (G>A on the coding strand, the complement: COL11A2 is on the minus strand). VCF-style: chr6-33164353-C-T. GRCh37 (hg19) VCF-style: chr6-33132130-C-T.
Other names: c.4663G>A, p.Gly1555Ser (NM_080679.3); c.4726G>A, p.Gly1576Ser (NM_080681.3); short protein forms G1555S, G1576S, G1662S.
Identifiers: ClinVar variation 1371091 (VCV001371091.9), dbSNP rs1377653646, ClinGen allele CA363616115.

ClinVar aggregate classification (germline): Uncertain significance. Review status: criteria provided, multiple submitters, no conflicts (2 of 4 stars). 2 submissions from 2 submitters: Uncertain significance (2). Last evaluated 2026-02-03.

Allele frequency attached by ClinVar (database versions not stated): gnomAD 0.00001; TOPMed 0.00001; gnomAD exomes 0.00002.
gnomAD v4.1: 24 of 1,612,636 alleles (0.0015%); highest among the groups gnomAD compares: Non-Finnish European, 0.002%; no homozygotes.

Submissions (2):

Labcorp Genetics (formerly Invitae), Labcorp
Classification: Uncertain significance. Last evaluated: 2026-02-03. Review status: criteria provided, single submitter. Criteria: Invitae Variant Classification Sherloc (09022015). Collection method: clinical testing. Allele origin: germline.
Comment: This sequence change replaces glycine, which is neutral and non-polar, with serine, which is neutral and polar, at codon 1662 of the COL11A2 protein (p.Gly1662Ser). This variant is not present in population databases (gnomAD no frequency). This variant has not been reported in the literature in individuals affected with COL11A2-related conditions. ClinVar contains an entry for this variant (Variation ID: 1371091). Invitae Evidence Modeling of protein sequence and biophysical properties (such as structural, functional, and spatial information, amino acid conservation, physicochemical variation, residue mobility, and thermodynamic stability) indicates that this missense variant is not expected to disrupt COL11A2 protein function with a negative predictive value of 95%. In summary, the available evidence is currently insufficient to determine the role of this variant in disease. Therefore, it has been classified as a Variant of Uncertain Significance.

Blueprint Genetics
Classification: Uncertain significance. Last evaluated: 2022-02-16. Review status: criteria provided, single submitter. Criteria: ACMG Guidelines, 2015. Collection method: clinical testing. Allele origin: germline.